The following is an entry in ClinVar:

NM_006158.5(NEFL):c.748A>C (p.Thr250Pro)

Gene: NEFL (neurofilament light chain; minus strand). Cytogenetic location: 8p21.2.
Variant type: single nucleotide variant.
Coding change: c.748A>C on transcript NM_006158.5 (MANE Select); coding-DNA position 748, A replaced by C.
Protein change: p.Thr250Pro; replaces threonine 250 with proline.
Molecular consequence: missense variant.
Genome position (GRCh38, 1-based): chr8:24,955,768, T>G on the plus strand (A>C on the coding strand, the complement: NEFL is on the minus strand). VCF-style: chr8-24955768-T-G. GRCh37 (hg19) VCF-style: chr8-24813282-T-G.
Other names: short protein forms T250P.
Identifiers: ClinVar variation 2891546 (VCV002891546.3), dbSNP rs377036093, ClinGen allele CA4681445.

ClinVar aggregate classification (germline): Uncertain significance (1 of 4 stars; one submission).

Conditions:
Charcot-Marie-Tooth disease type 2E (CMT2E). Also called: CHARCOT-MARIE-TOOTH DISEASE, AXONAL, TYPE 2E; CHARCOT-MARIE-TOOTH NEUROPATHY, TYPE 2E. Identifiers: Orphanet 99939, MedGen C1843225, MONDO:0011894, OMIM 607684.

Allele frequency attached by ClinVar (database versions not stated): ExAC 0.00001; gnomAD exomes 0.00001; ESP Exome Variant Server 0.00008.

Submission:

Labcorp Genetics (formerly Invitae), Labcorp
Classification: Uncertain significance for Charcot-Marie-Tooth disease type 2E. Last evaluated: 2023-08-31. Review status: criteria provided, single submitter. Criteria: Invitae Variant Classification Sherloc (09022015). Collection method: clinical testing. Allele origin: germline.
Comment: This variant is present in population databases (rs377036093, gnomAD 0.0009%). This sequence change replaces threonine, which is neutral and polar, with proline, which is neutral and non-polar, at codon 250 of the NEFL protein (p.Thr250Pro). This variant has not been reported in the literature in individuals affected with NEFL-related conditions. In summary, the available evidence is currently insufficient to determine the role of this variant in disease. Therefore, it has been classified as a Variant of Uncertain Significance. Advanced modeling of protein sequence and biophysical properties (such as structural, functional, and spatial information, amino acid conservation, physicochemical variation, residue mobility, and thermodynamic stability) performed at Invitae indicates that this missense variant is not expected to disrupt NEFL protein function.